The following is an entry in ClinVar:

ClinVar aggregate classification (germline): Uncertain significance (1 of 4 stars; one submission).

Conditions:
Gastrointestinal stromal tumor. Also called: Gastrointestinal stromal tumor, somatic; Gastrointestinal stroma tumor. Identifiers: Orphanet 44890, MedGen C0238198, MeSH D046152, MONDO:0011719, OMIM 606764, HP:0100723.

gnomAD v4.1: 1 of 1,613,736 alleles (0.000062%); highest among the groups gnomAD compares: Non-Finnish European, 0.000085%; no homozygotes.

Submission:

Labcorp Genetics (formerly Invitae), Labcorp
Classification: Uncertain significance for Gastrointestinal stromal tumor. Last evaluated: 2024-11-27. Review status: criteria provided, single submitter. Criteria: Invitae Variant Classification Sherloc (09022015). Collection method: clinical testing. Allele origin: germline.
Comment: This sequence change replaces threonine, which is neutral and polar, with serine, which is neutral and polar, at codon 385 of the KIT protein (p.Thr385Ser). This variant is not present in population databases (gnomAD no frequency). This variant has not been reported in the literature in individuals affected with KIT-related conditions. ClinVar contains an entry for this variant (Variation ID: 969951). An algorithm developed to predict the effect of missense changes on protein structure and function outputs the following: PolyPhen-2: "Benign". The serine amino acid residue is found in multiple mammalian species, which suggests that this missense change does not adversely affect protein function. In summary, the available evidence is currently insufficient to determine the role of this variant in disease. Therefore, it has been classified as a Variant of Uncertain Significance.

NM_000222.3(KIT):c.1154C>G (p.Thr385Ser)

Gene: KIT (KIT proto-oncogene, receptor tyrosine kinase; plus strand). Cytogenetic location: 4q12.
Variant type: single nucleotide variant.
Coding change: c.1154C>G on transcript NM_000222.3 (MANE Select); coding-DNA position 1154, C replaced by G.
Protein change: p.Thr385Ser; replaces threonine 385 with serine.
Molecular consequence: missense variant.
Genome position (GRCh38, 1-based): chr4:54,709,462, C>G. VCF-style: chr4-54709462-C-G. GRCh37 (hg19) VCF-style: chr4-55575628-C-G.
Other names: c.1154C>G, p.Thr385Ser (NM_001093772.2, NM_001385285.1, NM_001385286.1); c.1157C>G, p.Thr386Ser (NM_001385284.1, NM_001385288.1, NM_001385290.1 and 1 more transcripts); short protein forms T385S, T386S.
Identifiers: ClinVar variation 969951 (VCV000969951.10), dbSNP rs1721000055, ClinGen allele CA356902216.
Genomic context (GRCh38, chr4:54,709,462, plus strand): 5'-ACTAGTTGTCTTTTCTTTGTAGATACGTAAGTGAACTTCATCTAACGAGATTAAAAGGCA[C>G]CGAAGGAGGCACTTACACATTCCTAGTGTCCAATTCTGACGTCAATGCTGCCATAGCATT-3'
Protein context (NP_000213.1, residues 375-395): SELHLTRLKG[Thr385Ser]EGGTYTFLVS